The following is an entry in ClinVar:

NM_019066.5(MAGEL2):c.1990_1991insT (p.Pro664fs)

Gene: MAGEL2 (MAGE family member L2; minus strand). Cytogenetic location: 15q11.2.
Variant type: Insertion.
Coding change: c.1990_1991insT on transcript NM_019066.5 (MANE Select); coding-DNA positions 1990 to 1991, T inserted.
Protein change: p.Pro664fs; shifts the reading frame from proline 664.
Molecular consequence: frameshift variant.
Genome position: GRCh38 VCF-style: chr15-23645752-G-GA. GRCh37 (hg19) VCF-style: chr15-23890899-G-GA.
Other names: short protein forms P664fs.
Identifiers: ClinVar variation 1073104 (VCV001073104.9), dbSNP rs2140714531, ClinGen allele CA2499222853.

ClinVar aggregate classification (germline): Pathogenic (1 of 4 stars; one submission).

Submission:

Labcorp Genetics (formerly Invitae), Labcorp
Classification: Pathogenic. Last evaluated: 2017-11-30. Review status: criteria provided, single submitter. Criteria: Invitae Variant Classification Sherloc (09022015). Collection method: clinical testing. Allele origin: germline.
Comment: This variant is not present in population databases (ExAC no frequency). Experimental studies and prediction algorithms are not available for this variant, and the functional significance of the disrupted amino acids is currently unknown. A different truncation (p.Trp958*) that lies downstream of this variant has been determined to be pathogenic (PMID: 27195816). This suggests that deletion of this region of the MAGEL2 protein is causative of disease. This sequence change results in a premature translational stop signal in the MAGEL2 gene (p.Pro664Leufs*49). While this is not anticipated to result in nonsense mediated decay, it is expected to disrupt the last 586 amino acids of the MAGEL2 protein. For these reasons, this variant has been classified as Pathogenic. This variant has not been reported in the literature in individuals with MAGEL2-related disease. However, a different variant giving rise to a similar protein truncation (p.Gln666Profs*47) has been reported in individuals affected with Schaaf-Yang syndrome (PMID: 25473036, 28640240), indicating that the truncated region may be important for protein function

Literature cited by the submitters: PubMed 27195816; PubMed 25473036; PubMed 28640240.